The following is an entry in ClinVar:

ClinVar aggregate classification (germline): Benign/Likely benign. Review status: criteria provided, multiple submitters, no conflicts (2 of 4 stars). 3 submissions from 3 submitters: Benign (1); Likely benign (2). Last evaluated 2026-04-24.

Conditions:
Colorectal cancer, susceptibility to, 1. Also called: COLORECTAL ADENOMA AND CANCER, SUSCEPTIBILITY TO; COLORECTAL CANCER, SUSCEPTIBILITY TO, ON CHROMOSOME 9. Identifiers: MedGen C1837315, MONDO:0012132, OMIM 608812.

Submissions (3):

Myriad Genetics, Inc.
Classification: Benign for Colorectal cancer, susceptibility to, 1. Last evaluated: 2026-04-24. Review status: criteria provided, single submitter. Criteria: Myriad Autosomal Dominant, Autosomal Recessive and X-Linked Classification Criteria (2023). Collection method: clinical testing. Allele origin: unknown.
Comment: This variant is considered benign. This variant is a silent/synonymous amino acid change and it is not expected to impact splicing.

Labcorp Genetics (formerly Invitae), Labcorp
Classification: Likely benign. Last evaluated: 2025-07-03. Review status: criteria provided, single submitter. Criteria: Invitae Variant Classification Sherloc (09022015). Collection method: clinical testing. Allele origin: germline.

Ambry Genetics
Classification: Likely benign. Last evaluated: 2024-06-18. Review status: criteria provided, single submitter. Criteria: Ambry Variant Classification Scheme 2023. Collection method: clinical testing. Allele origin: germline.

NM_024642.5(GALNT12):c.765G>T (p.Pro255=)

Gene: GALNT12 (polypeptide N-acetylgalactosaminyltransferase 12; plus strand). Cytogenetic location: 9q22.33.
Variant type: single nucleotide variant.
Coding change: c.765G>T on transcript NM_024642.5 (MANE Select); coding-DNA position 765, G replaced by T.
Protein change: p.Pro255=; no amino-acid change (proline 255 retained).
Molecular consequence: synonymous variant.
Genome position (GRCh38, 1-based): chr9:98,831,805, G>T. VCF-style: chr9-98831805-G-T. GRCh37 (hg19) VCF-style: chr9-101594087-G-T.
Identifiers: ClinVar variation 3280547 (VCV003280547.3).
Genomic context (GRCh38, chr9:98,831,805, plus strand): 5'-ACGGATGGATGTCTTGGGTGCTTTCAGGATCCATGAAGAGGAGTCGGCAGTGGTGTGCCC[G>T]GTGATTGATGTGATCGACTGGAACACCTTCGAATACCTGGGGAACTCCGGGGAGCCCCAG-3'
Protein context (NP_078918.3, residues 245-265): IHEEESAVVC[Pro255=]VIDVIDWNTF